The following is an entry in ClinVar:

ClinVar aggregate classification (germline): Uncertain significance. Review status: criteria provided, multiple submitters, no conflicts (2 of 4 stars). 2 submissions from 2 submitters: Uncertain significance (2). Last evaluated 2024-07-18.

Conditions:
Hereditary cancer-predisposing syndrome. Also called: Neoplastic Syndromes, Hereditary; Hereditary neoplastic syndrome; Hereditary Cancer Syndrome; Tumor predisposition. Identifiers: Orphanet 140162, MedGen C0027672, MeSH D009386, MONDO:0015356.

Submissions (2):

Ambry Genetics
Classification: Uncertain significance for Hereditary cancer-predisposing syndrome. Last evaluated: 2024-07-18. Review status: criteria provided, single submitter. Criteria: Ambry Variant Classification Scheme 2023. Collection method: clinical testing. Allele origin: germline.
Comment: The p.C147Y variant (also known as c.440G>A), located in coding exon 4 of the SMARCB1 gene, results from a G to A substitution at nucleotide position 440. The cysteine at codon 147 is replaced by tyrosine, an amino acid with highly dissimilar properties. This amino acid position is highly conserved in available vertebrate species. In addition, this alteration is predicted to be deleterious by in silico analysis. Based on the available evidence, the clinical significance of this variant remains unclear.

GeneDx
Classification: Uncertain significance. Last evaluated: 2022-08-25. Review status: criteria provided, single submitter. Criteria: GeneDx Variant Classification Process June 2021. Collection method: clinical testing. Allele origin: germline. Affected: yes.
Comment: Not observed at significant frequency in large population cohorts (gnomAD); In silico analysis supports that this missense variant has a deleterious effect on protein structure/function; Has not been previously published as pathogenic or benign to our knowledge

NM_003073.5(SMARCB1):c.440G>A (p.Cys147Tyr)

Gene: SMARCB1 (SWI/SNF related BAF chromatin remodeling complex subunit B1; plus strand). Cytogenetic location: 22q11.23.
Variant type: single nucleotide variant.
Coding change: c.440G>A on transcript NM_003073.5 (MANE Select); coding-DNA position 440, G replaced by A.
Protein change: p.Cys147Tyr; replaces cysteine 147 with tyrosine.
Molecular consequence: missense variant.
Genome position (GRCh38, 1-based): chr22:23,801,021, G>A. VCF-style: chr22-23801021-G-A. GRCh37 (hg19) VCF-style: chr22-24143208-G-A.
Other names: c.413G>A, p.Cys138Tyr (NM_001007468.3, NM_001317946.2); c.440G>A, p.Cys147Tyr (NM_001362877.2); short protein forms C138Y, C147Y.
Identifiers: ClinVar variation 2430774 (VCV002430774.2), dbSNP rs2145978522, ClinGen allele CA410934459.